The following is an entry in ClinVar:

ClinVar aggregate classification (germline): Uncertain significance. Review status: criteria provided, multiple submitters, no conflicts (2 of 4 stars). 2 submissions from 2 submitters: Uncertain significance (2). Last evaluated 2024-11-02.

Conditions:
Cardiovascular phenotype. Identifiers: MedGen CN230736.
Brugada syndrome 8 (BRGDA8). Identifiers: Orphanet 130, MedGen C2751083, MONDO:0013148, OMIM 613123.

Allele frequency attached by ClinVar (database versions not stated): gnomAD exomes below 0.00001; gnomAD 0.00001.
gnomAD v4.1: 4 of 1,593,358 alleles (0.00025%); highest among the groups gnomAD compares: African/African-American, 0.004%; no homozygotes.

Submissions (2):

Ambry Genetics
Classification: Uncertain significance for Cardiovascular phenotype. Last evaluated: 2024-11-02. Review status: criteria provided, single submitter. Criteria: Ambry Variant Classification Scheme 2023. Collection method: clinical testing. Allele origin: germline.
Comment: The p.P810L variant (also known as c.2429C>T), located in coding exon 8 of the HCN4 gene, results from a C to T substitution at nucleotide position 2429. The proline at codon 810 is replaced by leucine, an amino acid with similar properties. This amino acid position is conserved. In addition, this alteration is predicted to be tolerated by in silico analysis. Based on the available evidence, the clinical significance of this variant remains unclear.

Labcorp Genetics (formerly Invitae), Labcorp
Classification: Uncertain significance for Brugada syndrome 8. Last evaluated: 2021-10-23. Review status: criteria provided, single submitter. Criteria: Invitae Variant Classification Sherloc (09022015). Collection method: clinical testing. Allele origin: germline.
Comment: This variant has not been reported in the literature in individuals affected with HCN4-related conditions. This variant is not present in population databases (ExAC no frequency). This sequence change replaces proline with leucine at codon 810 of the HCN4 protein (p.Pro810Leu). The proline residue is highly conserved and there is a moderate physicochemical difference between proline and leucine. Advanced modeling of protein sequence and biophysical properties (such as structural, functional, and spatial information, amino acid conservation, physicochemical variation, residue mobility, and thermodynamic stability) performed at Invitae indicates that this missense variant is not expected to disrupt HCN4 protein function. In summary, the available evidence is currently insufficient to determine the role of this variant in disease. Therefore, it has been classified as a Variant of Uncertain Significance.

NM_005477.3(HCN4):c.2429C>T (p.Pro810Leu)

Gene: HCN4 (hyperpolarization activated cyclic nucleotide gated potassium channel 4; minus strand). Cytogenetic location: 15q24.1.
Variant type: single nucleotide variant.
Coding change: c.2429C>T on transcript NM_005477.3 (MANE Select); coding-DNA position 2429, C replaced by T.
Protein change: p.Pro810Leu; replaces proline 810 with leucine.
Molecular consequence: missense variant.
Genome position (GRCh38, 1-based): chr15:73,323,664, G>A on the plus strand (C>T on the coding strand, the complement: HCN4 is on the minus strand). VCF-style: chr15-73323664-G-A. GRCh37 (hg19) VCF-style: chr15-73616005-G-A.
Other names: c.2429C>T (NM_005477.2); short protein forms P810L.
Identifiers: ClinVar variation 1380362 (VCV001380362.7), dbSNP rs2042879478, ClinGen allele CA393088907.